The following is an entry in ClinVar:

ClinVar aggregate classification (germline): Pathogenic (1 of 4 stars; one submission).

Submission:

Labcorp Genetics (formerly Invitae), Labcorp
Classification: Pathogenic. Last evaluated: 2022-02-03. Review status: criteria provided, single submitter. Criteria: Invitae Variant Classification Sherloc (09022015). Collection method: clinical testing. Allele origin: germline.
Comment: For these reasons, this variant has been classified as Pathogenic. Algorithms developed to predict the effect of sequence changes on RNA splicing suggest that this variant may create or strengthen a splice site. ClinVar contains an entry for this variant (Variation ID: 936745). This premature translational stop signal has been observed in individual(s) with primary distal renal tubular acidosis (PMID: 23729491). This variant is not present in population databases (gnomAD no frequency). This sequence change creates a premature translational stop signal (p.Tyr417*) in the ATP6V1B1 gene. It is expected to result in an absent or disrupted protein product. Loss-of-function variants in ATP6V1B1 are known to be pathogenic (PMID: 9916796, 18368028).

Literature cited by the submitters: PubMed 23729491; PubMed 9916796; PubMed 18368028.

NM_001692.4(ATP6V1B1):c.1251C>G (p.Tyr417Ter)

Gene: ATP6V1B1 (ATPase H+ transporting V1 subunit B1; plus strand). Cytogenetic location: 2p13.3.
Variant type: single nucleotide variant.
Coding change: c.1251C>G on transcript NM_001692.4 (MANE Select); coding-DNA position 1251, C replaced by G.
Protein change: p.Tyr417Ter; replaces tyrosine 417 with a stop codon.
Molecular consequence: nonsense.
Genome position (GRCh38, 1-based): chr2:70,964,738, C>G. VCF-style: chr2-70964738-C-G. GRCh37 (hg19) VCF-style: chr2-71191868-C-G.
Other names: short protein forms Y417*.
Identifiers: ClinVar variation 936745 (VCV000936745.9), dbSNP rs1426120425, ClinGen allele CA347188349.
Genomic context (GRCh38, chr2:70,964,738, plus strand): 5'-GCTACTGGACTCCCGTGGTAAGCCCGCAGCGGCCACCGACGCCTTGCCCCTCCCCCAGTA[C>G]GCCTGCTATGCCATCGGGAAGGACGTGCAGGCCATGAAGGCAGTAGTTGGGGAGGAGGCG-3'